The following is an entry in ClinVar:

ClinVar aggregate classification (germline): Uncertain significance. Review status: criteria provided, multiple submitters, no conflicts (2 of 4 stars). 2 submissions from 2 submitters: Uncertain significance (2). Last evaluated 2025-11-19.

Allele frequency attached by ClinVar (database versions not stated): gnomAD exomes 0.00001; TOPMed 0.00001; ExAC 0.00002.
gnomAD v4.1: 5 of 1,614,072 alleles (0.00031%); highest among the groups gnomAD compares: East Asian, 0.011%; no homozygotes.

Submissions (2):

Labcorp Genetics (formerly Invitae), Labcorp
Classification: Uncertain significance. Last evaluated: 2025-11-19. Review status: criteria provided, single submitter. Criteria: Invitae Variant Classification Sherloc (09022015). Collection method: clinical testing. Allele origin: germline.
Comment: This sequence change replaces leucine, which is neutral and non-polar, with proline, which is neutral and non-polar, at codon 97 of the SLC51B protein (p.Leu97Pro). This variant is present in population databases (rs749002494, gnomAD 0.02%). This variant has not been reported in the literature in individuals affected with SLC51B-related conditions. ClinVar contains an entry for this variant (Variation ID: 2607801). An algorithm developed to predict the effect of missense changes on protein structure and function (PolyPhen-2) suggests that this variant is likely to be disruptive. In summary, the available evidence is currently insufficient to determine the role of this variant in disease. Therefore, it has been classified as a Variant of Uncertain Significance.

Ambry Genetics
Classification: Uncertain significance. Last evaluated: 2023-06-29. Review status: criteria provided, single submitter. Criteria: Ambry Variant Classification Scheme 2023. Collection method: clinical testing. Allele origin: germline.

NM_178859.4(SLC51B):c.290T>C (p.Leu97Pro)

Genes: RASL12 (RAS like family 12; minus strand), SLC51B (SLC51 subunit beta; plus strand). Cytogenetic location: 15q22.31.
Variant type: single nucleotide variant.
Coding change: c.290T>C on transcript NM_178859.4 (MANE Select); coding-DNA position 290, T replaced by C.
Protein change: p.Leu97Pro; replaces leucine 97 with proline.
Molecular consequence: missense variant.
Genome position (GRCh38, 1-based): chr15:65,053,067, T>C. VCF-style: chr15-65053067-T-C. GRCh37 (hg19) VCF-style: chr15-65345405-T-C.
Other names: short protein forms L97P.
Identifiers: ClinVar variation 2607801 (VCV002607801.3), dbSNP rs749002494, ClinGen allele CA7613521.